The following is an entry in ClinVar:

NM_080632.3(UPF3B):c.442_443del (p.Asp148fs)

Gene: UPF3B (UPF3B regulator of nonsense mediated mRNA decay; minus strand). Cytogenetic location: Xq24.
Variant type: Microsatellite.
Coding change: c.442_443del on transcript NM_080632.3 (MANE Select); coding-DNA positions 442 to 443, 2 bases deleted (GA; older notation c.442_443delGA).
Protein change: p.Asp148fs; shifts the reading frame from aspartic acid 148.
Molecular consequence: frameshift variant.
Genome position (GRCh38, 1-based): chrX:119,845,224-119,845,225, TC deleted on the plus strand (GA on the coding strand, the reverse complement: UPF3B is on the minus strand); deleting any 2 consecutive bases within chrX:119,845,224-119,845,228 gives the same sequence; the c. name uses the placement nearest the transcript's 3' end. VCF-style (leftmost placement, unchanged base first): chrX-119845223-ATC-A. GRCh37 (hg19) VCF-style: chrX-118979186-ATC-A.
Other names: c.442_443del, p.Asp148fs (NM_023010.4); short protein forms D148fs.
Identifiers: ClinVar variation 3255086 (VCV003255086.2), dbSNP rs2521545000.

ClinVar aggregate classification (germline): Pathogenic (1 of 4 stars; one submission).

Conditions:
Intellectual developmental disorder, X-linked, syndromic 14. Also called: Syndromic X-linked intellectual disability 14. Identifiers: Orphanet 776, MedGen C1970822, MONDO:0010398, OMIM 300676.

Submission:

Victorian Clinical Genetics Services, Murdoch Childrens Research Institute
Classification: Pathogenic for Intellectual developmental disorder, X-linked, syndromic 14. Last evaluated: 2024-09-21. Review status: criteria provided, single submitter. Criteria: ACMG Guidelines, 2015. Collection method: clinical testing. Allele origin: germline. Inheritance: X-linked recessive inheritance. Affected: yes.
Comment: Based on the classification scheme VCGS_Germline_v1.3.4, this variant is classified as Pathogenic. Following criteria are met: 0102 - Loss of function is a known mechanism of disease in this gene and is associated with intellectual developmental disorder, X-linked syndromic 14 (MIM#300676). (I) 0109 - This gene is associated with X-linked recessive disease. (I) 0201 - Variant is predicted to cause nonsense-mediated decay (NMD) and loss of protein (premature termination codon is located at least 54 nucleotides upstream of the final exon-exon junction). (SP) 0253 - This variant is hemizygous. (I) 0301 - Variant is absent from gnomAD (both v2 and v3). (SP) 0701 - Many other NMD-predicted variants comparable to the one identified in this case have very strong previous evidence for pathogenicity (DECIPHER). (SP) 0807 - This variant has no previous evidence of pathogenicity. (I) 0905 - No published segregation evidence has been identified for this variant. (I) 1007 - No published functional evidence has been identified for this variant. (I) Legend: (SP) - Supporting pathogenic, (I) - Information, (SB) - Supporting benign